The following is an entry in ClinVar:

ClinVar aggregate classification (germline): Uncertain significance (1 of 4 stars; one submission).

Conditions:
Progressive sclerosing poliodystrophy (MTDPS4A). Also called: Mitochondrial DNA depletion syndrome 4A (Alpers type); Mitochondrial DNA Depletion Syndrome 4A; Alpers Syndrome; ALPERS DIFFUSE DEGENERATION OF CEREBRAL GRAY MATTER WITH HEPATIC CIRRHOSIS; Alpers-Huttenlocher Syndrome; ALPERS PROGRESSIVE INFANTILE POLIODYSTROPHY. Identifiers: Orphanet 726, MedGen C0205710, MONDO:0008758, OMIM 203700.

Allele frequency attached by ClinVar (database versions not stated): TOPMed below 0.00001; gnomAD 0.00001.

Submission:

Labcorp Genetics (formerly Invitae), Labcorp
Classification: Uncertain significance for Progressive sclerosing poliodystrophy. Last evaluated: 2025-11-03. Review status: criteria provided, single submitter. Criteria: Invitae Variant Classification Sherloc (09022015). Collection method: clinical testing. Allele origin: germline.
Comment: This sequence change replaces methionine, which is neutral and non-polar, with isoleucine, which is neutral and non-polar, at codon 1093 of the POLG protein (p.Met1093Ile). This variant is present in population databases (no rsID available, gnomAD 0.01%). This variant has not been reported in the literature in individuals affected with POLG-related conditions. ClinVar contains an entry for this variant (Variation ID: 580000). Invitae Evidence Modeling of protein sequence and biophysical properties (such as structural, functional, and spatial information, amino acid conservation, physicochemical variation, residue mobility, and thermodynamic stability) indicates that this missense variant is not expected to disrupt POLG protein function with a negative predictive value of 95%. In summary, the available evidence is currently insufficient to determine the role of this variant in disease. Therefore, it has been classified as a Variant of Uncertain Significance.

NM_002693.3(POLG):c.3279G>A (p.Met1093Ile)

Gene: POLG (DNA polymerase gamma, catalytic subunit; minus strand). Cytogenetic location: 15q26.1.
Variant type: single nucleotide variant.
Coding change: c.3279G>A on transcript NM_002693.3 (MANE Select); coding-DNA position 3279, G replaced by A.
Protein change: p.Met1093Ile; replaces methionine 1093 with isoleucine.
Molecular consequence: missense variant.
Genome position (GRCh38, 1-based): chr15:89,318,744, C>T on the plus strand (G>A on the coding strand, the complement: POLG is on the minus strand). VCF-style: chr15-89318744-C-T. GRCh37 (hg19) VCF-style: chr15-89861975-C-T.
Other names: c.3279G>A, p.Met1093Ile (NM_001126131.2); short protein forms M1093I.
Identifiers: ClinVar variation 580000 (VCV000580000.11), dbSNP rs1238487198, ClinGen allele CA393750265.